The following is an entry in ClinVar:

ClinVar aggregate classification (germline): Uncertain significance (1 of 4 stars; one submission).

Conditions:
Charcot-Marie-Tooth disease axonal type 2V. Also called: CHARCOT-MARIE-TOOTH NEUROPATHY, TYPE 2V; CHARCOT-MARIE-TOOTH DISEASE, AXONAL, AUTOSOMAL DOMINANT, TYPE 2V. Identifiers: Orphanet 447964, MedGen C5569050, MONDO:0014665, OMIM 616491.
Mucopolysaccharidosis, MPS-III-B (MPS3B). Also called: N-ACETYL-ALPHA-D-GLUCOSAMINIDASE DEFICIENCY; NAGLU DEFICIENCY; SANFILIPPO SYNDROME B; MPS III B; MUCOPOLYSACCHARIDOSIS, TYPE IIIB; Mucopolysaccharidosis type IIIB (Sanfilippo B). Identifiers: Orphanet 79270, MedGen C0086648, MONDO:0009656, OMIM 252920.

Allele frequency attached by ClinVar (database versions not stated): gnomAD exomes 0.00001; TOPMed 0.00005; gnomAD 0.00010.
gnomAD v4.1: 34 of 1,614,086 alleles (0.0021%); highest among the groups gnomAD compares: Admixed American, 0.04%; 1 homozygote.

Submission:

Labcorp Genetics (formerly Invitae), Labcorp
Classification: Uncertain significance for Charcot-Marie-Tooth disease axonal type 2V; Mucopolysaccharidosis, MPS-III-B. Last evaluated: 2024-11-11. Review status: criteria provided, single submitter. Criteria: Invitae Variant Classification Sherloc (09022015). Collection method: clinical testing. Allele origin: germline.
Comment: This sequence change replaces arginine, which is basic and polar, with cysteine, which is neutral and slightly polar, at codon 393 of the NAGLU protein (p.Arg393Cys). This variant is present in population databases (no rsID available, gnomAD 0.03%), including at least one homozygous and/or hemizygous individual. This variant has not been reported in the literature in individuals affected with NAGLU-related conditions. ClinVar contains an entry for this variant (Variation ID: 2189304). Invitae Evidence Modeling of protein sequence and biophysical properties (such as structural, functional, and spatial information, amino acid conservation, physicochemical variation, residue mobility, and thermodynamic stability) has been performed for this missense variant. However, the output from this modeling did not meet the statistical confidence thresholds required to predict the impact of this variant on NAGLU protein function. In summary, the available evidence is currently insufficient to determine the role of this variant in disease. Therefore, it has been classified as a Variant of Uncertain Significance.

NM_000263.4(NAGLU):c.1177C>T (p.Arg393Cys)

Gene: NAGLU (N-acetyl-alpha-glucosaminidase; plus strand). Cytogenetic location: 17q21.2.
Variant type: single nucleotide variant.
Coding change: c.1177C>T on transcript NM_000263.4 (MANE Select); coding-DNA position 1177, C replaced by T.
Protein change: p.Arg393Cys; replaces arginine 393 with cysteine.
Molecular consequence: missense variant.
Genome position (GRCh38, 1-based): chr17:42,543,183, C>T. VCF-style: chr17-42543183-C-T. GRCh37 (hg19) VCF-style: chr17-40695201-C-T.
Other names: short protein forms R393C.
Identifiers: ClinVar variation 2189304 (VCV002189304.2), dbSNP rs1272515676, ClinGen allele CA399601314.
Genomic context (GRCh38, chr17:42,543,183, plus strand): 5'-GTGCCCCGTGGCCGCCTCCTGGTTCTGGACCTGTTTGCTGAGAGCCAGCCTGTGTATACC[C>T]GCACTGCCTCCTTCCAGGGCCAGCCCTTCATCTGGTGCATGCTGCACAACTTTGGGGGAA-3'
Protein context (NP_000254.2, residues 383-403): LFAESQPVYT[Arg393Cys]TASFQGQPFI